The following is an entry in ClinVar:

NM_001429.4(EP300):c.5914A>G (p.Met1972Val)

Gene: EP300 (EP300 lysine acetyltransferase; plus strand). Cytogenetic location: 22q13.2.
Variant type: single nucleotide variant.
Coding change: c.5914A>G on transcript NM_001429.4 (MANE Select); coding-DNA position 5914, A replaced by G.
Protein change: p.Met1972Val; replaces methionine 1972 with valine.
Molecular consequence: missense variant.
Genome position (GRCh38, 1-based): chr22:41,177,625, A>G. VCF-style: chr22-41177625-A-G. GRCh37 (hg19) VCF-style: chr22-41573629-A-G.
Other names: c.5836A>G, p.Met1946Val (NM_001362843.2); short protein forms M1972V, M1946V.
Identifiers: ClinVar variation 287227 (VCV000287227.32), dbSNP rs373725137, ClinGen allele CA10605703.

ClinVar aggregate classification (germline): Conflicting classifications of pathogenicity. Review status: criteria provided, conflicting classifications (1 of 4 stars). 3 submissions from 3 submitters: Uncertain significance (1); Likely benign (2). Last evaluated 2024-02-02.

Conditions:
Rubinstein-Taybi syndrome due to EP300 haploinsufficiency. Also called: EP300-Related Rubinstein-Taybi Syndrome; RUBINSTEIN-TAYBI SYNDROME 2. Identifiers: Orphanet 353284, Orphanet 783, MedGen C3150941, MONDO:0013364, OMIM 613684.

Allele frequency attached by ClinVar (database versions not stated): gnomAD exomes 0.00001 and 0.00002; gnomAD 0.00002; TOPMed 0.00002; ESP Exome Variant Server 0.00008.

Submissions (3):

Labcorp Genetics (formerly Invitae), Labcorp
Classification: Uncertain significance for Rubinstein-Taybi syndrome due to EP300 haploinsufficiency. Last evaluated: 2024-02-02. Review status: criteria provided, single submitter. Criteria: Invitae Variant Classification Sherloc (09022015). Collection method: clinical testing. Allele origin: germline.
Comment: This sequence change replaces methionine, which is neutral and non-polar, with valine, which is neutral and non-polar, at codon 1972 of the EP300 protein (p.Met1972Val). This variant is present in population databases (rs373725137, gnomAD 0.002%). This variant has not been reported in the literature in individuals affected with EP300-related conditions. ClinVar contains an entry for this variant (Variation ID: 287227). Advanced modeling of protein sequence and biophysical properties (such as structural, functional, and spatial information, amino acid conservation, physicochemical variation, residue mobility, and thermodynamic stability) performed at Invitae indicates that this missense variant is not expected to disrupt EP300 protein function with a negative predictive value of 80%. In summary, the available evidence is currently insufficient to determine the role of this variant in disease. Therefore, it has been classified as a Variant of Uncertain Significance.

CeGaT Center for Human Genetics Tuebingen
Classification: Likely benign. Last evaluated: 2023-09-01. Review status: criteria provided, single submitter. Criteria: CeGaT Center For Human Genetics Tuebingen Variant Classification Criteria Version 2. Collection method: clinical testing. Allele origin: germline. Affected: yes. Observed: 1 variant allele.
Comment: EP300: BP4

Eurofins Ntd Llc (ga)
Classification: Likely benign. Last evaluated: 2016-04-08. Review status: criteria provided, single submitter. Criteria: EGL Classification Definitions 2015. Collection method: clinical testing. Allele origin: germline. Observed: 2 variant alleles, 2 heterozygotes.